The following is an entry in ClinVar:

ClinVar aggregate classification (germline): Uncertain significance (1 of 4 stars; one submission).

Allele frequency attached by ClinVar (database versions not stated): ExAC 0.00002; gnomAD exomes 0.00008.

Submission:

Labcorp Genetics (formerly Invitae), Labcorp
Classification: Uncertain significance. Last evaluated: 2023-10-11. Review status: criteria provided, single submitter. Criteria: Invitae Variant Classification Sherloc (09022015). Collection method: clinical testing. Allele origin: germline.
Comment: This sequence change replaces arginine, which is basic and polar, with glutamine, which is neutral and polar, at codon 958 of the VARS2 protein (p.Arg958Gln). This variant is present in population databases (rs747794559, gnomAD 0.005%). This variant has not been reported in the literature in individuals affected with VARS2-related conditions. ClinVar contains an entry for this variant (Variation ID: 2147793). Algorithms developed to predict the effect of missense changes on protein structure and function output the following: SIFT: "Not Available"; PolyPhen-2: "Benign"; Align-GVGD: "Not Available". The glutamine amino acid residue is found in multiple mammalian species, which suggests that this missense change does not adversely affect protein function. In summary, the available evidence is currently insufficient to determine the role of this variant in disease. Therefore, it has been classified as a Variant of Uncertain Significance.

NM_020442.6(VARS2):c.2783G>A (p.Arg928Gln)

Gene: VARS2 (valyl-tRNA synthetase 2, mitochondrial; plus strand). Cytogenetic location: 6p21.33.
Variant type: single nucleotide variant.
Coding change: c.2783G>A on transcript NM_020442.6 (MANE Select); coding-DNA position 2783, G replaced by A.
Protein change: p.Arg928Gln; replaces arginine 928 with glutamine.
Molecular consequence: missense variant.
Genome position (GRCh38, 1-based): chr6:30,925,383, G>A. VCF-style: chr6-30925383-G-A. GRCh37 (hg19) VCF-style: chr6-30893160-G-A.
Other names: c.2363G>A, p.Arg788Gln (NM_001167733.3); c.2873G>A, p.Arg958Gln (NM_001167734.2); short protein forms R788Q, R928Q, R958Q.
Identifiers: ClinVar variation 2147793 (VCV002147793.2), dbSNP rs747794559, ClinGen allele CA3706376.